The following is an entry in ClinVar:

ClinVar aggregate classification (germline): Uncertain significance. Review status: criteria provided, multiple submitters, no conflicts (2 of 4 stars). 2 submissions from 2 submitters: Uncertain significance (2). Last evaluated 2022-07-21.

Conditions:
Stuttering, familial persistent, 1. Also called: STAMMERING. Identifiers: MONDO:0008483, OMIM 184450, MedGen C3489627.
Spastic paraplegia. Identifiers: MedGen C0037772, HP:0001258.

Allele frequency attached by ClinVar (database versions not stated): gnomAD exomes below 0.00001 and 0.00001.
gnomAD v4.1: 3 of 1,613,896 alleles (0.00019%); highest among the groups gnomAD compares: Admixed American, 0.0017%; no homozygotes.

Submissions (2):

Labcorp Genetics (formerly Invitae), Labcorp
Classification: Uncertain significance for Spastic paraplegia. Last evaluated: 2022-07-21. Review status: criteria provided, single submitter. Criteria: Invitae Variant Classification Sherloc (09022015). Collection method: clinical testing. Allele origin: germline.
Comment: This variant has not been reported in the literature in individuals affected with AP4E1-related conditions. This variant is present in population databases (no rsID available, gnomAD 0.003%). This sequence change replaces isoleucine, which is neutral and non-polar, with threonine, which is neutral and polar, at codon 206 of the AP4E1 protein (p.Ile206Thr). ClinVar contains an entry for this variant (Variation ID: 931303). In summary, the available evidence is currently insufficient to determine the role of this variant in disease. Therefore, it has been classified as a Variant of Uncertain Significance. Algorithms developed to predict the effect of missense changes on protein structure and function are either unavailable or do not agree on the potential impact of this missense change (SIFT: "Deleterious"; PolyPhen-2: "Probably Damaging"; Align-GVGD: "Class C0").

Centre for Mendelian Genomics, University Medical Centre Ljubljana
Classification: Uncertain significance for Stuttering, familial persistent, 1. Last evaluated: 2019-03-08. Review status: criteria provided, single submitter. Criteria: ACMG Guidelines, 2015. Collection method: clinical testing. Allele origin: unknown. Affected: yes.
Comment: This variant was classified as: Uncertain significance. The available evidence on this variant's pathogenicity is insufficient or conflicting. The following ACMG criteria were applied in classifying this variant: PM2,PP3.

NM_007347.5(AP4E1):c.617T>C (p.Ile206Thr)

Gene: AP4E1 (adaptor related protein complex 4 subunit epsilon 1; plus strand). Cytogenetic location: 15q21.2.
Variant type: single nucleotide variant.
Coding change: c.617T>C on transcript NM_007347.5 (MANE Select); coding-DNA position 617, T replaced by C.
Protein change: p.Ile206Thr; replaces isoleucine 206 with threonine.
Molecular consequence: missense variant.
Genome position (GRCh38, 1-based): chr15:50,929,083, T>C. VCF-style: chr15-50929083-T-C. GRCh37 (hg19) VCF-style: chr15-51221280-T-C.
Other names: c.392T>C, p.Ile131Thr (NM_001252127.2); short protein forms I131T, I206T.
Identifiers: ClinVar variation 931303 (VCV000931303.7), dbSNP rs1264635526, ClinGen allele CA392415784.
Genomic context (GRCh38, chr15:50,929,083, plus strand): 5'-GAAAAGCTGTTCTGGCATTATACAAATTCCATCTCATTGCTCCTAATCAAGTACAACATA[T>C]TCATATTAAGTTTCGGAAAGCACTTTGTGACAGAGATGTTGGGGTCATGGCTGCCTCCTT-3'
Protein context (NP_031373.2, residues 196-216): HLIAPNQVQH[Ile206Thr]HIKFRKALCD